The following is an entry in ClinVar:

ClinVar aggregate classification (germline): Conflicting classifications of pathogenicity. Review status: criteria provided, conflicting classifications (1 of 4 stars). 3 submissions from 3 submitters: Uncertain significance (2); Likely benign (1). Last evaluated 2025-08-10.

Allele frequency attached by ClinVar (database versions not stated): gnomAD 0.00007; ESP Exome Variant Server 0.00008; TOPMed 0.00007; ExAC 0.00006; gnomAD exomes 0.00015.
gnomAD v4.1: 231 of 1,613,806 alleles (0.014%); highest among the groups gnomAD compares: Non-Finnish European, 0.019%; no homozygotes.

Submissions (3):

GeneDx
Classification: Uncertain significance. Last evaluated: 2025-08-10. Review status: criteria provided, single submitter. Criteria: GeneDx Variant Classification Process June 2021. Collection method: clinical testing. Allele origin: germline. Affected: yes.
Comment: In silico analysis supports that this missense variant has a deleterious effect on protein structure/function; Has not been previously published as pathogenic or benign to our knowledge

Ambry Genetics
Classification: Uncertain significance. Last evaluated: 2025-05-19. Review status: criteria provided, single submitter. Criteria: Ambry Variant Classification Scheme 2023. Collection method: clinical testing. Allele origin: germline.

Labcorp Genetics (formerly Invitae), Labcorp
Classification: Likely benign. Last evaluated: 2025-03-27. Review status: criteria provided, single submitter. Criteria: Invitae Variant Classification Sherloc (09022015). Collection method: clinical testing. Allele origin: germline.

NM_003126.4(SPTA1):c.3442G>A (p.Gly1148Arg)

Gene: SPTA1 (spectrin alpha, erythrocytic 1; minus strand). Cytogenetic location: 1q23.1.
Variant type: single nucleotide variant.
Coding change: c.3442G>A on transcript NM_003126.4 (MANE Select); coding-DNA position 3442, G replaced by A.
Protein change: p.Gly1148Arg; replaces glycine 1148 with arginine.
Molecular consequence: missense variant.
Genome position (GRCh38, 1-based): chr1:158,651,402, C>T on the plus strand (G>A on the coding strand, the complement: SPTA1 is on the minus strand). VCF-style: chr1-158651402-C-T. GRCh37 (hg19) VCF-style: chr1-158621192-C-T.
Other names: short protein forms G1148R.
Identifiers: ClinVar variation 2456125 (VCV002456125.5), dbSNP rs369038187, ClinGen allele CA1183058.